The following is an entry in ClinVar:

ClinVar aggregate classification (germline): Uncertain significance. Review status: criteria provided, multiple submitters, no conflicts (2 of 4 stars). 2 submissions from 2 submitters: Uncertain significance (2). Last evaluated 2025-07-29.

Allele frequency attached by ClinVar (database versions not stated): gnomAD exomes below 0.00001 and 0.00001; gnomAD 0.00001; TOPMed 0.00001.
gnomAD v4.1: 11 of 1,613,624 alleles (0.00068%); highest among the groups gnomAD compares: Admixed American, 0.0033%; no homozygotes.

Submissions (2):

Ambry Genetics
Classification: Uncertain significance. Last evaluated: 2025-07-29. Review status: criteria provided, single submitter. Criteria: Ambry Variant Classification Scheme 2023. Collection method: clinical testing. Allele origin: germline.
Comment: The p.S145Y variant (also known as c.434C>A), located in coding exon 5 of the FAM175A gene, results from a C to A substitution at nucleotide position 434. The serine at codon 145 is replaced by tyrosine, an amino acid with dissimilar properties. This amino acid position is conserved. In addition, this alteration is predicted to be deleterious by in silico analysis. Since supporting evidence is limited at this time, the clinical significance of this alteration remains unclear.

Labcorp Genetics (formerly Invitae), Labcorp
Classification: Uncertain significance. Last evaluated: 2023-08-17. Review status: criteria provided, single submitter. Criteria: Invitae Variant Classification Sherloc (09022015). Collection method: clinical testing. Allele origin: germline.
Comment: In summary, the available evidence is currently insufficient to determine the role of this variant in disease. Therefore, it has been classified as a Variant of Uncertain Significance. Advanced modeling of protein sequence and biophysical properties (such as structural, functional, and spatial information, amino acid conservation, physicochemical variation, residue mobility, and thermodynamic stability) performed at Invitae indicates that this missense variant is expected to disrupt ABRAXAS1 protein function. ClinVar contains an entry for this variant (Variation ID: 862325). This variant has not been reported in the literature in individuals affected with ABRAXAS1-related conditions. This variant is present in population databases (no rsID available, gnomAD no frequency). This sequence change replaces serine, which is neutral and polar, with tyrosine, which is neutral and polar, at codon 145 of the ABRAXAS1 protein (p.Ser145Tyr).

NM_139076.3(ABRAXAS1):c.434C>A (p.Ser145Tyr)

Gene: ABRAXAS1 (abraxas 1, BRCA1 A complex subunit; minus strand). Cytogenetic location: 4q21.23.
Variant type: single nucleotide variant.
Coding change: c.434C>A on transcript NM_139076.3 (MANE Select); coding-DNA position 434, C replaced by A.
Protein change: p.Ser145Tyr; replaces serine 145 with tyrosine.
Molecular consequence: missense variant.
Genome position (GRCh38, 1-based): chr4:83,470,245, G>T on the plus strand (C>A on the coding strand, the complement: ABRAXAS1 is on the minus strand). VCF-style: chr4-83470245-G-T. GRCh37 (hg19) VCF-style: chr4-84391398-G-T.
Other names: c.107C>A, p.Ser36Tyr (NM_001345962.2); short protein forms S36Y, S145Y.
Identifiers: ClinVar variation 862325 (VCV000862325.13), dbSNP rs1017145408, ClinGen allele CA100684709.